The following is an entry in ClinVar:

ClinVar aggregate classification (germline): Uncertain significance (1 of 4 stars; one submission).

Submission:

Labcorp Genetics (formerly Invitae), Labcorp
Classification: Uncertain significance. Last evaluated: 2024-02-01. Review status: criteria provided, single submitter. Criteria: Invitae Variant Classification Sherloc (09022015). Collection method: clinical testing. Allele origin: germline.
Comment: This sequence change replaces leucine, which is neutral and non-polar, with arginine, which is basic and polar, at codon 1097 of the FOCAD protein (p.Leu1097Arg). This variant is not present in population databases (gnomAD no frequency). This variant has not been reported in the literature in individuals affected with FOCAD-related conditions. Experimental studies and prediction algorithms are not available or were not evaluated, and the functional significance of this variant is currently unknown. In summary, the available evidence is currently insufficient to determine the role of this variant in disease. Therefore, it has been classified as a Variant of Uncertain Significance.

NM_001375567.1(FOCAD):c.3290T>G (p.Leu1097Arg)

Gene: FOCAD (focadhesin; plus strand). Cytogenetic location: 9p21.3.
Variant type: single nucleotide variant.
Coding change: c.3290T>G on transcript NM_001375567.1 (MANE Select); coding-DNA position 3290, T replaced by G.
Protein change: p.Leu1097Arg; replaces leucine 1097 with arginine.
Molecular consequence: missense variant.
Genome position (GRCh38, 1-based): chr9:20,929,569, T>G. VCF-style: chr9-20929569-T-G. GRCh37 (hg19) VCF-style: chr9-20929568-T-G.
Other names: c.3185T>G, p.Leu1062Arg (NM_001375568.1, NM_001375570.1); c.3290T>G, p.Leu1097Arg (NM_017794.5); short protein forms L1062R, L1097R.
Identifiers: ClinVar variation 3638041 (VCV003638041.2).